The following is an entry in ClinVar:

ClinVar aggregate classification (germline): Uncertain significance (1 of 4 stars; one submission).

Allele frequency attached by ClinVar (database versions not stated): TOPMed below 0.00001; gnomAD 0.00001; 1000 Genomes Project 30x 0.00016; ExAC 0.00002; 1000 Genomes Project 0.00020.
gnomAD v4.1: 5 of 1,613,340 alleles (0.00031%); highest among the groups gnomAD compares: East Asian, 0.0089%; no homozygotes.

Submission:

Labcorp Genetics (formerly Invitae), Labcorp
Classification: Uncertain significance. Last evaluated: 2022-06-07. Review status: criteria provided, single submitter. Criteria: Invitae Variant Classification Sherloc (09022015). Collection method: clinical testing. Allele origin: germline.
Comment: In summary, the available evidence is currently insufficient to determine the role of this variant in disease. Therefore, it has been classified as a Variant of Uncertain Significance. Algorithms developed to predict the effect of missense changes on protein structure and function are either unavailable or do not agree on the potential impact of this missense change (SIFT: "Not Available"; PolyPhen-2: "Probably Damaging"; Align-GVGD: "Not Available"). This variant has not been reported in the literature in individuals affected with ITGB4-related conditions. This variant is present in population databases (rs146489216, gnomAD 0.02%). This sequence change replaces alanine, which is neutral and non-polar, with threonine, which is neutral and polar, at codon 1304 of the ITGB4 protein (p.Ala1304Thr).

NM_000213.5(ITGB4):c.3910G>A (p.Ala1304Thr)

Genes: GALK1 (galactokinase 1; minus strand), ITGB4 (integrin subunit beta 4; plus strand). Cytogenetic location: 17q25.1.
Variant type: single nucleotide variant.
Coding change: c.3910G>A on transcript NM_000213.5 (MANE Select); coding-DNA position 3910, G replaced by A.
Protein change: p.Ala1304Thr; replaces alanine 1304 with threonine.
Molecular consequence: missense variant. On other transcripts: intron variant (1).
Genome position (GRCh38, 1-based): chr17:75,752,290, G>A. VCF-style: chr17-75752290-G-A. GRCh37 (hg19) VCF-style: chr17-73748371-G-A.
Other names: c.3910G>A, p.Ala1304Thr (NM_001005619.2, NM_001005731.3, NM_001321123.2 and 1 more transcripts); c.*23-553C>T (NM_001381985.1); short protein forms A1304T.
Identifiers: ClinVar variation 2127837 (VCV002127837.4), dbSNP rs146489216, ClinGen allele CA8769976.
Genomic context (GRCh38, chr17:75,752,290, plus strand): 5'-CTTATTGAGAACCTTCGGGAGTCCCAGCCCTACCGCTACACGGTGAAGGCGCGCAACGGG[G>A]CCGGCTGGGGGCCTGAGCGGGAGGCCATCATCAACCTGGCCACCCAGCCCAAGAGGCCCA-3'
Protein context (NP_000204.3, residues 1294-1314): YRYTVKARNG[Ala1304Thr]GWGPEREAII